The following is an entry in ClinVar:

ClinVar aggregate classification (germline): Likely benign (1 of 4 stars; one submission).

Conditions:
Multiple endocrine neoplasia, type 2 (MEN2). Identifiers: Orphanet 653, MedGen C4048306, MONDO:0019003. Disease mechanism: gain of function.

Submission:

All of Us Research Program, National Institutes of Health
Classification: Likely benign for Multiple endocrine neoplasia, type 2. Last evaluated: 2023-03-09. Review status: criteria provided, single submitter. Criteria: ACMG Guidelines, 2015. Collection method: clinical testing. Allele origin: germline. Inheritance: Autosomal dominant inheritance. Observed: 1 variant allele, 1 heterozygote.
Comment: This study involves interpretation of variants in research participants for the purpose of population health screening. Participant phenotype was not available at the time of variant classification. Additional details can be found in publication PMID: 35346344, PMCID: PMC8962531

NM_020975.6(RET):c.1649-15G>C

Gene: RET (ret proto-oncogene; plus strand). Cytogenetic location: 10q11.21.
Variant type: single nucleotide variant.
Coding change: c.1649-15G>C on transcript NM_020975.6 (MANE Select); 15 bases into the intron before coding-DNA position 1649, G replaced by C.
Molecular consequence: intron variant.
Genome position (GRCh38, 1-based): chr10:43,112,838, G>C. VCF-style: chr10-43112838-G-C. GRCh37 (hg19) VCF-style: chr10-43608286-G-C.
Other names: c.1649-15G>C (NM_020630.7, NM_001406743.1, NM_001406744.1 and 4 more transcripts); c.1253-15G>C (NM_001406772.1, NM_001406769.1); c.1211-15G>C (NM_001406773.1, NM_001406771.1); c.752-15G>C (NM_001406782.1, NM_001406780.1, NM_001406779.1 and 3 more transcripts); c.1520-15G>C (NM_001406764.1, NM_001406762.1, NM_001406761.1 and 1 more transcripts); c.1124-15G>C (NM_001406774.1); c.623-15G>C (NM_001406786.1, NM_001406783.1); c.1361-15G>C (NM_001406770.1, NM_001406766.1, NM_001406767.1); and 5 more.
Identifiers: ClinVar variation 3069886 (VCV003069886.1), dbSNP rs1431524535, ClinGen allele CA2721584179.